The following is an entry in ClinVar:

ClinVar aggregate classification (germline): Likely pathogenic (1 of 4 stars; one submission).

Conditions:
Marfan syndrome (MFS). Also called: FBN1-Related Marfan Syndrome; Marfan syndrome type 1; Marfan's syndrome; Marfan syndrome, classic; MARFAN SYNDROME, TYPE I. Identifiers: Orphanet 284963, Orphanet 558, MedGen C0024796, MONDO:0007947, OMIM 154700.

Submission:

Women's Health and Genetics/Laboratory Corporation of America, LabCorp
Classification: Likely pathogenic for Marfan Syndrome. Last evaluated: 2011-08-18. Review status: criteria provided, single submitter. Criteria: LabCorp Variant Classification Summary - May 2015. Collection method: curation, clinical testing. Allele origin: germline. Inheritance: autosomal unknown. Affected: yes.
ClinVar note: Converted during submission from likely pathogenic to Likely pathogenic.

NM_000138.5(FBN1):c.7678del (p.Gln2560fs)

Gene: FBN1 (fibrillin 1; minus strand). Cytogenetic location: 15q21.1.
Variant type: Deletion.
Coding change: c.7678del on transcript NM_000138.5 (MANE Select); coding-DNA position 7678, one base deleted (C; older notation c.7678delC).
Protein change: p.Gln2560fs; shifts the reading frame from glutamine 2560.
Molecular consequence: frameshift variant.
Genome position (GRCh38, 1-based): chr15:48,421,579, G deleted on the plus strand (C on the coding strand, the reverse complement: FBN1 is on the minus strand). VCF-style (leftmost placement, unchanged base first): chr15-48421578-TG-T. GRCh37 (hg19) VCF-style: chr15-48713775-TG-T.
Other names: c.7678delC (NM_000138.4); short protein forms Q2560fs.
Identifiers: ClinVar variation 36117 (VCV000036117.3), dbSNP rs193922235, ClinGen allele CA017330.
Genomic context (GRCh38, chr15:48,421,578, plus strand): 5'-AGGATTCACCAGCTGGATCGCAGCTGAAGTCTCCACCCACCTTCACAGCTGGAGCCGGTC[TG>T]ATCAAGTGAGAATCCCCGCTGGCATTCACAGGTGAAGCTTCCAGGAGTGTTCTGGCAAAT-3'